The following is an entry in ClinVar:

ClinVar aggregate classification (germline): Uncertain significance (1 of 4 stars; one submission).

Conditions:
Inborn genetic diseases. Identifiers: MedGen C0950123, MeSH D030342.

gnomAD v4.1: 31 of 1,613,988 alleles (0.0019%); highest among the groups gnomAD compares: Admixed American, 0.052%; 1 homozygote.

Submission:

Ambry Genetics
Classification: Uncertain significance for Inborn genetic diseases. Last evaluated: 2024-12-21. Review status: criteria provided, single submitter. Criteria: Ambry Variant Classification Scheme 2023. Collection method: clinical testing. Allele origin: germline.
Comment: The p.F18I variant (also known as c.52T>A), located in coding exon 2 of the CEP57 gene, results from a T to A substitution at nucleotide position 52. The phenylalanine at codon 18 is replaced by isoleucine, an amino acid with highly similar properties. This amino acid position is conserved. In addition, this alteration is predicted to be tolerated by in silico analysis. Based on the available evidence, the clinical significance of this variant remains unclear.

NM_014679.5(CEP57):c.52T>A (p.Phe18Ile)

Gene: CEP57 (centrosomal protein 57; plus strand). Cytogenetic location: 11q21.
Variant type: single nucleotide variant.
Coding change: c.52T>A on transcript NM_014679.5 (MANE Select); coding-DNA position 52, T replaced by A.
Protein change: p.Phe18Ile; replaces phenylalanine 18 with isoleucine.
Molecular consequence: missense variant. On other transcripts: 5 prime UTR variant (1).
Genome position (GRCh38, 1-based): chr11:95,799,238, T>A. VCF-style: chr11-95799238-T-A. GRCh37 (hg19) VCF-style: chr11-95532402-T-A.
Other names: c.25T>A, p.Phe9Ile (NM_001243776.2); c.52T>A, p.Phe18Ile (NM_001243777.2); c.-30T>A (NM_001363604.2); short protein forms F9I, F18I.
Identifiers: ClinVar variation 3831944 (VCV003831944.1).